The following is an entry in ClinVar:

ClinVar aggregate classification (germline): Uncertain significance. Review status: criteria provided, multiple submitters, no conflicts (2 of 4 stars). 2 submissions from 2 submitters: Uncertain significance (2). Last evaluated 2025-10-08.

Conditions:
Deficiency of beta-ureidopropionase (UPB1D). Also called: Beta-ureidopropionase deficiency. Identifiers: Orphanet 65287, MedGen C1291512, MONDO:0013164, OMIM 613161.

Allele frequency attached by ClinVar (database versions not stated): gnomAD 0.00006; gnomAD exomes 0.00006; TOPMed 0.00006; ExAC 0.00007.

Submissions (2):

Labcorp Genetics (formerly Invitae), Labcorp
Classification: Uncertain significance. Last evaluated: 2025-10-08. Review status: criteria provided, single submitter. Criteria: Invitae Variant Classification Sherloc (09022015). Collection method: clinical testing. Allele origin: germline.
Comment: This sequence change replaces leucine, which is neutral and non-polar, with proline, which is neutral and non-polar, at codon 9 of the UPB1 protein (p.Leu9Pro). This variant is present in population databases (rs755104394, gnomAD 0.01%). This variant has not been reported in the literature in individuals affected with UPB1-related conditions. ClinVar contains an entry for this variant (Variation ID: 340928). An algorithm developed to predict the effect of missense changes on protein structure and function (PolyPhen-2) suggests that this variant is likely to be tolerated. In summary, the available evidence is currently insufficient to determine the role of this variant in disease. Therefore, it has been classified as a Variant of Uncertain Significance.

Illumina Laboratory Services, Illumina
Classification: Uncertain significance for Deficiency of beta-ureidopropionase. Last evaluated: 2018-01-13. Review status: criteria provided, single submitter. Criteria: ICSL Variant Classification Criteria 13 December 2019. Collection method: clinical testing. Allele origin: germline.

NM_016327.3(UPB1):c.26T>C (p.Leu9Pro)

Gene: UPB1 (beta-ureidopropionase 1; plus strand). Cytogenetic location: 22q11.23.
Variant type: single nucleotide variant.
Coding change: c.26T>C on transcript NM_016327.3 (MANE Select); coding-DNA position 26, T replaced by C.
Protein change: p.Leu9Pro; replaces leucine 9 with proline.
Molecular consequence: missense variant.
Genome position (GRCh38, 1-based): chr22:24,495,429, T>C. VCF-style: chr22-24495429-T-C. GRCh37 (hg19) VCF-style: chr22-24891397-T-C.
Other names: short protein forms L9P.
Identifiers: ClinVar variation 340928 (VCV000340928.8), dbSNP rs755104394, ClinGen allele CA10152952.